The following is an entry in ClinVar:

ClinVar aggregate classification (germline): Uncertain significance. Review status: criteria provided, single submitter (1 of 4 stars). 2 submissions from 2 submitters: Uncertain significance (1). 1 of the submissions does not count toward it.

Conditions:
Diabetes mellitus, transient neonatal, 3 (TNDM3). Identifiers: Orphanet 99886, MedGen C1864623, MONDO:0012522, OMIM 610582. Disease mechanism: loss of function.
Hyperinsulinemic hypoglycemia, familial, 2. Also called: HYPERINSULINEMIC HYPOGLYCEMIA, PERSISTENT; HYPERINSULINISM, NEONATAL. Identifiers: Orphanet 276580, Orphanet 276603, MedGen C2931833, MONDO:0011153, OMIM 601820. Disease mechanism: loss of function.
Permanent neonatal diabetes mellitus 1. Also called: GCK-Related Permanent Neonatal Diabetes Mellitus. Identifiers: MedGen C5393570, MONDO:0100165, OMIM 606176.
Maturity-onset diabetes of the young (MODY). Also called: Maturity onset diabetes mellitus in young. Identifiers: Orphanet 552, MedGen C0342276, MONDO:0018911, HP:0004904.

Submissions (2):

Clinical Genomics, Uppaluri K&H Personalized Medicine Clinic
Classification: Uncertain significance for Maturity-onset diabetes of the young. Review status: criteria provided, single submitter. Criteria: K&H Uppaluri Personalized Medicine Clinic Variant Classification & Assertion Criteria. Collection method: research. Allele origin: somatic. Inheritance: Autosomal dominant inheritance.
Comment: Mutations in KCNJ11 gene can cause decreased production and secretion of insulin. This can lead to MODY which may be responsive to oral sulfonylureas. It is also associated with Neonatal Diabetes. However, no sufficient evidence is found to ascertain the role of rs1554901690 variant in MODY yet.

Counsyl
Classification: Likely pathogenic for Hyperinsulinemic hypoglycemia, familial, 2; Permanent neonatal diabetes mellitus 1; Diabetes mellitus, transient neonatal, 3. Last evaluated: 2017-07-25. Review status: no assertion criteria provided. Collection method: clinical testing. Allele origin: unknown. Not counted in ClinVar's aggregate classification.

Literature cited by the submitters: PubMed 26448950 (cited by Clinical Genomics, Uppaluri K&H Personalized Medicine Clinic); PubMed 15580558 (cited by Clinical Genomics, Uppaluri K&H Personalized Medicine Clinic); PubMed 15718250 (cited by Clinical Genomics, Uppaluri K&H Personalized Medicine Clinic).

NM_000525.4(KCNJ11):c.765_771dup (p.Tyr258fs)

Gene: KCNJ11 (potassium inwardly rectifying channel subfamily J member 11; minus strand). Cytogenetic location: 11p15.1.
Variant type: Duplication.
Coding change: c.765_771dup on transcript NM_000525.4 (MANE Select); coding-DNA positions 765 to 771, 7 bases duplicated (GATCATC; older notation c.765_771dupGATCATC).
Protein change: p.Tyr258fs; shifts the reading frame from tyrosine 258.
Molecular consequence: frameshift variant.
Genome position (GRCh38, 1-based): chr11:17,387,321-17,387,327, GATGATC duplicated on the plus strand (GATCATC on the coding strand, the reverse complement: KCNJ11 is on the minus strand). VCF-style (leftmost placement, unchanged base first): chr11-17387320-A-AGATGATC. GRCh37 (hg19) VCF-style: chr11-17408867-A-AGATGATC.
Other names: c.504_510dup, p.Tyr171fs (NM_001166290.2, NM_001377296.1, NM_001377297.1); short protein forms Y258fs, Y171fs.
Identifiers: ClinVar variation 553023 (VCV000553023.3), dbSNP rs1554901690, ClinGen allele CA658822453.